The following is an entry in ClinVar:

ClinVar aggregate classification (germline): Likely benign. Review status: reviewed by expert panel (3 of 4 stars). 6 submissions from 6 submitters: Likely benign (1). 5 of the submissions do not count toward it. Last evaluated 2017-06-29.

Conditions:
Hereditary breast ovarian cancer syndrome. Also called: Hereditary breast and ovarian cancer; Hereditary breast and ovarian cancer syndrome; Breast and ovarian cancer; Hereditary breast and ovarian cancer syndrome (HBOC); Hereditary breast and/or ovarian cancer syndrome; BRCA1- and BRCA2-Associated Hereditary Breast and Ovarian Cancer. Identifiers: Orphanet 145, MedGen C0677776, MeSH D061325, MONDO:0003582. Disease mechanism: loss of function.
Hereditary cancer-predisposing syndrome. Also called: Hereditary Cancer Syndrome; Neoplastic Syndromes, Hereditary; Tumor predisposition; Hereditary neoplastic syndrome. Identifiers: Orphanet 140162, MedGen C0027672, MeSH D009386, MONDO:0015356.
Breast-ovarian cancer, familial, susceptibility to, 2 (BROVCA2). Also called: BRCA2 Hereditary Breast and Ovarian Cancer. Identifiers: Orphanet 145, MedGen C2675520, MONDO:0012933, OMIM 612555. Disease mechanism: loss of function.

Allele frequency attached by ClinVar (database versions not stated): TOPMed below 0.00001.

Submissions (6):

Evidence-based Network for the Interpretation of Germline Mutant Alleles (ENIGMA)
Classification: Likely benign for Breast-ovarian cancer, familial, susceptibility to, 2. Last evaluated: 2017-06-29. Review status: reviewed by expert panel. Criteria: ENIGMA BRCA1/2 Classification Criteria (2017-06-29). Collection method: curation. Allele origin: germline.
Comment: Synonymous substitution variant, with low bioinformatic likelihood to result in a splicing aberration (Splicing prior probability 0.02).

Labcorp Genetics (formerly Invitae), Labcorp
Classification: Likely benign for Hereditary breast ovarian cancer syndrome. Last evaluated: 2025-04-03. Review status: criteria provided, single submitter. Criteria: Invitae Variant Classification Sherloc (09022015). Collection method: clinical testing. Allele origin: germline. Not counted in ClinVar's aggregate classification.

Quest Diagnostics Nichols Institute San Juan Capistrano
Classification: Likely benign. Last evaluated: 2023-05-19. Review status: criteria provided, single submitter. Criteria: Quest Diagnostics criteria. Collection method: clinical testing. Allele origin: unknown. Not counted in ClinVar's aggregate classification.

Women's Health and Genetics/Laboratory Corporation of America, LabCorp
Classification: Likely benign. Last evaluated: 2019-08-21. Review status: criteria provided, single submitter. Criteria: LabCorp Variant Classification Summary - May 2015. Collection method: clinical testing. Allele origin: germline. Not counted in ClinVar's aggregate classification.

Color Diagnostics, LLC DBA Color Health
Classification: Likely benign for Hereditary cancer-predisposing syndrome. Last evaluated: 2017-10-29. Review status: criteria provided, single submitter. Criteria: ACMG Guidelines, 2015. Collection method: clinical testing. Allele origin: germline. Not counted in ClinVar's aggregate classification.

Ambry Genetics
Classification: Likely benign for Hereditary cancer-predisposing syndrome. Last evaluated: 2014-09-03. Review status: criteria provided, single submitter. Criteria: Ambry Variant Classification Scheme 2023. Collection method: clinical testing. Allele origin: germline. Not counted in ClinVar's aggregate classification.

NM_000059.4(BRCA2):c.2886T>C (p.His962=)

Gene: BRCA2 (BRCA2 DNA repair associated; plus strand). Cytogenetic location: 13q13.1.
Variant type: single nucleotide variant.
Coding change: c.2886T>C on transcript NM_000059.4 (MANE Select); coding-DNA position 2886, T replaced by C.
Protein change: p.His962=; no amino-acid change (histidine 962 retained).
Molecular consequence: synonymous variant.
Genome position (GRCh38, 1-based): chr13:32,337,241, T>C. VCF-style: chr13-32337241-T-C. GRCh37 (hg19) VCF-style: chr13-32911378-T-C.
Identifiers: ClinVar variation 186253 (VCV000186253.22), dbSNP rs786202807, ClinGen allele CA016683.
Genomic context (GRCh38, chr13:32,337,241, plus strand): 5'-AATTAAAAAAGATTTGGTTTATGTTCTTGCAGAGGAGAACAAAAATAGTGTAAAGCAGCA[T>C]ATAAAAATGACTCTAGGTCAAGATTTAAAATCGGACATCTCCTTGAATATAGATAAAATA-3'
Protein context (NP_000050.3, residues 952-972): AEENKNSVKQ[His962=]IKMTLGQDLK